The following is an entry in ClinVar:

ClinVar aggregate classification (germline): Benign/Likely benign. Review status: criteria provided, multiple submitters, no conflicts (2 of 4 stars). 6 submissions from 6 submitters: Benign (1); Likely benign (4). 1 of the submissions does not count toward it. Last evaluated 2025-12-22.

Conditions:
ALDOA-related disorder. Also called: ALDOA-related condition.
HNSHA due to aldolase A deficiency (GSD12). Also called: RED CELL ALDOLASE DEFICIENCY; GLYCOGEN STORAGE DISEASE XII; Glycogen storage disease due to aldolase A deficiency; GSD XII. Identifiers: Orphanet 57, MedGen C0272066, MONDO:0012747, OMIM 611881.

Allele frequency attached by ClinVar (database versions not stated): gnomAD 0.00022; 1000 Genomes Project 30x 0.00031; 1000 Genomes Project 0.00040; ESP Exome Variant Server 0.00046; TOPMed 0.00054; gnomAD exomes 0.00065 and 0.00119; ExAC 0.00116.
gnomAD v4.1: 1,055 of 1,614,138 alleles (0.065%); highest among the groups gnomAD compares: South Asian, 0.39%; 9 homozygotes.

Submissions (6):

Labcorp Genetics (formerly Invitae), Labcorp
Classification: Benign for HNSHA due to aldolase A deficiency. Last evaluated: 2025-12-22. Review status: criteria provided, single submitter. Criteria: Invitae Variant Classification Sherloc (09022015). Collection method: clinical testing. Allele origin: germline.

ARUP Laboratories, Molecular Genetics and Genomics, ARUP Laboratories
Classification: Likely benign for HNSHA due to aldolase A deficiency. Last evaluated: 2025-01-31. Review status: criteria provided, single submitter. Criteria: ARUP Molecular Germline Variant Investigation Process 2024. Collection method: clinical testing. Allele origin: germline.

Blueprint Genetics
Classification: Likely benign. Last evaluated: 2024-11-26. Review status: criteria provided, single submitter. Criteria: ACMG Guidelines, 2015. Collection method: clinical testing. Allele origin: germline.

CeGaT Center for Human Genetics Tuebingen
Classification: Likely benign. Last evaluated: 2024-06-01. Review status: criteria provided, single submitter. Criteria: CeGaT Center For Human Genetics Tuebingen Variant Classification Criteria Version 2. Collection method: clinical testing. Allele origin: germline. Affected: yes. Observed: 3 variant alleles.
Comment: ALDOA: BP4, BP7

GeneDx
Classification: Likely benign. Last evaluated: 2021-03-16. Review status: criteria provided, single submitter. Criteria: GeneDx Variant Classification Process June 2021. Collection method: clinical testing. Allele origin: germline. Affected: yes.

PreventionGenetics, part of Exact Sciences
Classification: Likely benign for ALDOA-related condition. Last evaluated: 2020-02-12. Review status: no assertion criteria provided. Collection method: clinical testing. Allele origin: germline. Not counted in ClinVar's aggregate classification.
Comment: This variant is classified as likely benign based on ACMG/AMP sequence variant interpretation guidelines (Richards et al. 2015 PMID: 25741868, with internal and published modifications).

NM_001243177.4(ALDOA):c.973C>T (p.Leu325=)

Genes: ALDOA (aldolase, fructose-bisphosphate A; plus strand), LOC112694756 (uncharaterized LOC112694756; plus strand). Cytogenetic location: 16p11.2.
Variant type: single nucleotide variant.
Coding change: c.973C>T on transcript NM_001243177.4 (MANE Select); coding-DNA position 973, C replaced by T.
Protein change: p.Leu325=; no amino-acid change (leucine 325 retained).
Molecular consequence: synonymous variant. On other transcripts: 3 prime UTR variant (3).
Genome position (GRCh38, 1-based): chr16:30,069,841, C>T. VCF-style: chr16-30069841-C-T. GRCh37 (hg19) VCF-style: chr16-30081162-C-T.
Other names: NM_000034.3:c.811C>T; c.*1320C>T (NM_001365304.2, NM_001365305.2, NM_001365307.2); c.811C>T, p.Leu271= (NM_001127617.2, NM_184041.5, NM_184043.2).
Identifiers: ClinVar variation 381165 (VCV000381165.45), dbSNP rs111252736, ClinGen allele CA8001176.